The following is an entry in ClinVar:

ClinVar aggregate classification (germline): Pathogenic (1 of 4 stars; one submission).

Conditions:
Autosomal recessive nonsyndromic hearing loss 3. Also called: NEUROSENSORY NONSYNDROMIC RECESSIVE DEAFNESS 3. Identifiers: Orphanet 90636, MedGen C1838263, MONDO:0010860, OMIM 600316.

Submission:

Institute of Rare Diseases, West China Hospital, Sichuan University
Classification: Pathogenic for Autosomal recessive nonsyndromic hearing loss 3. Last evaluated: 2025-01-09. Review status: criteria provided, single submitter. Criteria: ClinGen HL ACMG Specifications v1. Collection method: research. Allele origin: germline. Affected: yes.
Comment: PVS1;PM3_Supporting;PM2_Supporting

NM_016239.4(MYO15A):c.9193dup (p.Ser3065fs)

Gene: MYO15A (myosin XVA; plus strand). Cytogenetic location: 17p11.2.
Variant type: Duplication.
Coding change: c.9193dup on transcript NM_016239.4 (MANE Select); coding-DNA position 9193, one base duplicated (A; older notation c.9193dupA).
Protein change: p.Ser3065fs; shifts the reading frame from serine 3065.
Molecular consequence: frameshift variant.
Genome position (GRCh38, 1-based): chr17:18,159,311, A duplicated. VCF-style (leftmost placement, unchanged base first): chr17-18159310-C-CA. GRCh37 (hg19) VCF-style: chr17-18062624-C-CA.
Other names: short protein forms S3065fs.
Identifiers: ClinVar variation 3601413 (VCV003601413.1).